The following is an entry in ClinVar:

ClinVar aggregate classification (germline): Uncertain significance. Review status: criteria provided, multiple submitters, no conflicts (2 of 4 stars). 2 submissions from 2 submitters: Uncertain significance (2). Last evaluated 2026-04-13.

Conditions:
Hajdu-Cheney syndrome (HJCYS). Also called: ACROOSTEOLYSIS WITH OSTEOPOROSIS AND CHANGES IN SKULL AND MANDIBLE; SERPENTINE FIBULA-POLYCYSTIC KIDNEY SYNDROME; Acroosteolysis dominant type. Identifiers: Orphanet 955, MedGen C0917715, MONDO:0007057, OMIM 102500.

gnomAD v4.1: 1 of 1,613,794 alleles (0.000062%); no homozygotes.

Submissions (2):

GeneDx
Classification: Uncertain significance. Last evaluated: 2026-04-13. Review status: criteria provided, single submitter. Criteria: GeneDx Variant Classification Process June 2021. Collection method: clinical testing. Allele origin: germline.
Comment: Not observed at significant frequency in large population cohorts (gnomAD); In silico analysis supports that this missense variant has a deleterious effect on protein structure/function; Has not been previously published as pathogenic or benign to our knowledge

Labcorp Genetics (formerly Invitae), Labcorp
Classification: Uncertain significance for Hajdu-Cheney syndrome. Last evaluated: 2023-02-06. Review status: criteria provided, single submitter. Criteria: Invitae Variant Classification Sherloc (09022015). Collection method: clinical testing. Allele origin: germline.
Comment: In summary, the available evidence is currently insufficient to determine the role of this variant in disease. Therefore, it has been classified as a Variant of Uncertain Significance. Algorithms developed to predict the effect of missense changes on protein structure and function (SIFT, PolyPhen-2, Align-GVGD) all suggest that this variant is likely to be disruptive. This variant has not been reported in the literature in individuals affected with NOTCH2-related conditions. This variant is present in population databases (no rsID available, gnomAD 0.0009%). This sequence change replaces tyrosine, which is neutral and polar, with serine, which is neutral and polar, at codon 1887 of the NOTCH2 protein (p.Tyr1887Ser).

NM_024408.4(NOTCH2):c.5660A>C (p.Tyr1887Ser)

Gene: NOTCH2 (notch receptor 2; minus strand). Cytogenetic location: 1p12.
Variant type: single nucleotide variant.
Coding change: c.5660A>C on transcript NM_024408.4 (MANE Select); coding-DNA position 5660, A replaced by C.
Protein change: p.Tyr1887Ser; replaces tyrosine 1887 with serine.
Molecular consequence: missense variant.
Genome position (GRCh38, 1-based): chr1:119,919,433, T>G on the plus strand (A>C on the coding strand, the complement: NOTCH2 is on the minus strand). VCF-style: chr1-119919433-T-G. GRCh37 (hg19) VCF-style: chr1-120462056-T-G.
Other names: c.5660A>C (NM_024408.3); short protein forms Y1887S.
Identifiers: ClinVar variation 2798819 (VCV002798819.4), dbSNP rs1321300597, ClinGen allele CA341884325.